The following is an entry in ClinVar:

ClinVar aggregate classification (germline): Uncertain significance (1 of 4 stars; one submission).

Submission:

Labcorp Genetics (formerly Invitae), Labcorp
Classification: Uncertain significance. Last evaluated: 2024-11-29. Review status: criteria provided, single submitter. Criteria: Invitae Variant Classification Sherloc (09022015). Collection method: clinical testing. Allele origin: germline.
Comment: This sequence change replaces lysine, which is basic and polar, with arginine, which is basic and polar, at codon 237 of the ENPP1 protein (p.Lys237Arg). This variant is not present in population databases (gnomAD no frequency). This variant has not been reported in the literature in individuals affected with ENPP1-related conditions. Invitae Evidence Modeling of protein sequence and biophysical properties (such as structural, functional, and spatial information, amino acid conservation, physicochemical variation, residue mobility, and thermodynamic stability) indicates that this missense variant is not expected to disrupt ENPP1 protein function with a negative predictive value of 80%. In summary, the available evidence is currently insufficient to determine the role of this variant in disease. Therefore, it has been classified as a Variant of Uncertain Significance.

NM_006208.3(ENPP1):c.710A>G (p.Lys237Arg)

Gene: ENPP1 (ectonucleotide pyrophosphatase/phosphodiesterase 1; plus strand). Cytogenetic location: 6q23.2.
Variant type: single nucleotide variant.
Coding change: c.710A>G on transcript NM_006208.3 (MANE Select); coding-DNA position 710, A replaced by G.
Protein change: p.Lys237Arg; replaces lysine 237 with arginine.
Molecular consequence: missense variant.
Genome position (GRCh38, 1-based): chr6:131,855,018, A>G. VCF-style: chr6-131855018-A-G. GRCh37 (hg19) VCF-style: chr6-132176158-A-G.
Other names: short protein forms K237R.
Identifiers: ClinVar variation 3708788 (VCV003708788.2).
Genomic context (GRCh38, chr6:131,855,018, plus strand): 5'-TGGATGGATTCAGGGCAGAATATTTACACACTTGGGGTGGACTTCTTCCTGTTATTAGCA[A>G]ACTAAGTGAGTAACTTCAGAGTTTACTGCTGGAATATCACCATTTCAGTGAGATTGACTA-3'
Protein context (NP_006199.2, residues 227-247): TWGGLLPVIS[Lys237Arg]LKKCGTYTKN